The following is an entry in ClinVar:

ClinVar aggregate classification (germline): Uncertain significance (1 of 4 stars; one submission).

Conditions:
Spastic paraplegia. Identifiers: MedGen C0037772, HP:0001258.

Allele frequency attached by ClinVar (database versions not stated): TOPMed 0.00001.
gnomAD v4.1: 24 of 1,613,886 alleles (0.0015%); highest among the groups gnomAD compares: Non-Finnish European, 0.0019%; no homozygotes.

Submission:

Labcorp Genetics (formerly Invitae), Labcorp
Classification: Uncertain significance for Spastic paraplegia. Last evaluated: 2024-10-24. Review status: criteria provided, single submitter. Criteria: Invitae Variant Classification Sherloc (09022015). Collection method: clinical testing. Allele origin: germline.
Comment: This sequence change replaces alanine, which is neutral and non-polar, with serine, which is neutral and polar, at codon 542 of the RTN2 protein (p.Ala542Ser). This variant is present in population databases (rs745684949, gnomAD 0.009%). This variant has not been reported in the literature in individuals affected with RTN2-related conditions. Experimental studies and prediction algorithms are not available or were not evaluated, and the functional significance of this variant is currently unknown. In summary, the available evidence is currently insufficient to determine the role of this variant in disease. Therefore, it has been classified as a Variant of Uncertain Significance.

NM_005619.5(RTN2):c.1624G>T (p.Ala542Ser)

Genes: OPA3-RTN2 (OPA3-RTN2 readthrough; minus strand), RTN2 (reticulon 2; minus strand). Cytogenetic location: 19q13.32.
Variant type: single nucleotide variant.
Coding change: c.1624G>T on transcript NM_005619.5 (MANE Select); coding-DNA position 1624, G replaced by T.
Protein change: p.Ala542Ser; replaces alanine 542 with serine.
Molecular consequence: missense variant.
Genome position (GRCh38, 1-based): chr19:45,485,722, C>A on the plus strand (G>T on the coding strand, the complement: RTN2 is on the minus strand). VCF-style: chr19-45485722-C-A. GRCh37 (hg19) VCF-style: chr19-45988980-C-A.
Other names: c.1405G>T, p.Ala469Ser (NM_206900.3); c.604G>T, p.Ala202Ser (NM_206901.3); short protein forms A469S, A542S, A202S.
Identifiers: ClinVar variation 2852640 (VCV002852640.3), dbSNP rs745684949, ClinGen allele CA9515887.
Genomic context (GRCh38, chr19:45,485,722, plus strand): 5'-GCTGCGGGGGCTGGGGGCAGGCGTCCTGCGGGCAGAGACACCGTTCTCATTCGGCTTTGG[C>A]TTTGGATCCGGAGACTGCGGCTGCTGCAGAGGCCAGGGCTCCGGTCCCTGGGATTTTAGC-3'
Protein context (NP_005610.1, residues 532-545): SAAAAVSGSK[Ala542Ser]KAE